The following is an entry in ClinVar:

NM_001303457.2(TTI1):c.1636_1637del (p.His545_Ile546insTer)

Gene: TTI1 (TELO2 interacting protein 1; minus strand). Cytogenetic location: 20q11.23.
Variant type: Microsatellite.
Coding change: c.1636_1637del on transcript NM_001303457.2 (MANE Select); coding-DNA positions 1636 to 1637, 2 bases deleted (AT; older notation c.1636_1637delAT).
Protein change: p.His545_Ile546insTer.
Molecular consequence: nonsense.
Genome position (GRCh38, 1-based): chr20:38,012,180-38,012,181, AT deleted on the plus strand (AT on the coding strand, the reverse complement: TTI1 is on the minus strand); deleting any 2 consecutive bases within chr20:38,012,180-38,012,183 gives the same sequence; the c. name uses the placement nearest the transcript's 3' end. VCF-style (leftmost placement, unchanged base first): chr20-38012179-AAT-A. GRCh37 (hg19) VCF-style: chr20-36640581-AAT-A.
Other names: c.1636_1637del, p.His545_Ile546insTer (NM_014657.3).
Identifiers: ClinVar variation 4083317 (VCV004083317.1).

ClinVar aggregate classification (germline): Uncertain significance (1 of 4 stars; one submission).

Submission:

GeneDx
Classification: Uncertain significance. Last evaluated: 2025-03-13. Review status: criteria provided, single submitter. Criteria: GeneDx Variant Classification Process June 2021. Collection method: clinical testing. Allele origin: germline. Affected: yes.
Comment: Not observed at significant frequency in large population cohorts (gnomAD); Nonsense variant predicted to result in protein truncation or nonsense mediated decay in a gene or region of a gene for which loss of function is not a well-established mechanism of disease; Has not been previously published as pathogenic or benign to our knowledge